The following is an entry in ClinVar:

NM_078629.4(MSL3):c.1013G>A (p.Arg338His)

Gene: MSL3 (MSL complex subunit 3; plus strand). Cytogenetic location: Xp22.2.
Variant type: single nucleotide variant.
Coding change: c.1013G>A on transcript NM_078629.4 (MANE Select); coding-DNA position 1013, G replaced by A.
Protein change: p.Arg338His; replaces arginine 338 with histidine.
Molecular consequence: missense variant.
Genome position (GRCh38, 1-based): chrX:11,765,571, G>A. VCF-style: chrX-11765571-G-A. GRCh37 (hg19) VCF-style: chrX-11783690-G-A.
Other names: c.566G>A, p.Arg189His (NM_001282174.1); c.977G>A, p.Arg326His (NM_001193270.2); c.515G>A, p.Arg172His (NM_006800.4); c.1013G>A, p.Arg338His (NM_078628.2); short protein forms R172H, R189H, R326H, R338H.
Identifiers: ClinVar variation 1326067 (VCV001326067.2), dbSNP rs2053173669, ClinGen allele CA412065964.

ClinVar aggregate classification (germline): Uncertain significance (1 of 4 stars; one submission).

Allele frequency attached by ClinVar (database versions not stated): gnomAD exomes 0.00001.
gnomAD v4.1: 6 of 1,210,790 alleles (0.0005%); highest among the groups gnomAD compares: South Asian, 0.0053%; no homozygotes.

Submission:

GeneDx
Classification: Uncertain significance. Last evaluated: 2021-11-16. Review status: criteria provided, single submitter. Criteria: GeneDx Variant Classification Process June 2021. Collection method: clinical testing. Allele origin: germline. Affected: yes.
Comment: Not observed in large population cohorts (Lek et al., 2016); In silico analysis supports that this missense variant does not alter protein structure/function; Has not been previously published as pathogenic or benign to our knowledge